The following is an entry in ClinVar:

ClinVar aggregate classification (germline): Pathogenic. Review status: reviewed by expert panel (3 of 4 stars). 3 submissions from 3 submitters: Pathogenic (1). 2 of the submissions do not count toward it. Last evaluated 2016-09-08.

Conditions:
Breast-ovarian cancer, familial, susceptibility to, 2 (BROVCA2). Also called: BRCA2 Hereditary Breast and Ovarian Cancer. Identifiers: Orphanet 145, MedGen C2675520, MONDO:0012933, OMIM 612555. Disease mechanism: loss of function.

Submissions (3):

Evidence-based Network for the Interpretation of Germline Mutant Alleles (ENIGMA)
Classification: Pathogenic for Breast-ovarian cancer, familial, susceptibility to, 2. Last evaluated: 2016-09-08. Review status: reviewed by expert panel. Criteria: ENIGMA BRCA1/2 Classification Criteria (2015). Collection method: curation. Allele origin: germline.
Comment: Variant allele predicted to encode a truncated non-functional protein.

Consortium of Investigators of Modifiers of BRCA1/2 (CIMBA), c/o University of Cambridge
Classification: Pathogenic for Breast-ovarian cancer, familial, susceptibility to, 2. Last evaluated: 2015-10-02. Review status: criteria provided, single submitter. Criteria: CIMBA Mutation Classification guidelines May 2016. Collection method: clinical testing. Allele origin: germline. Not counted in ClinVar's aggregate classification.

Breast Cancer Information Core (BIC) (BRCA2)
Classification: Pathogenic for Breast-ovarian cancer, familial 2. Last evaluated: 2013-02-20. Review status: no assertion criteria provided. Collection method: clinical testing. Allele origin: germline, somatic, unknown. Affected: yes. Observed: 28 variant alleles. Not counted in ClinVar's aggregate classification.

Literature cited by the submitters: PubMed 9228974 (cited by Breast Cancer Information Core (BIC) (BRCA2)).

NM_000059.4(BRCA2):c.9098_9099insA (p.Gln3034fs)

Gene: BRCA2 (BRCA2 DNA repair associated; plus strand). Cytogenetic location: 13q13.1.
Variant type: Insertion.
Coding change: c.9098_9099insA on transcript NM_000059.4 (MANE Select); coding-DNA positions 9098 to 9099, A inserted.
Protein change: p.Gln3034fs; shifts the reading frame from glutamine 3034.
Molecular consequence: frameshift variant.
Genome position: GRCh38 VCF-style: chr13-32379894-C-CA. GRCh37 (hg19) VCF-style: chr13-32954031-C-CA.
Other names: 9326insA; short protein forms Q3034fs.
Identifiers: ClinVar variation 52747 (VCV000052747.5), dbSNP rs80359747, ClinGen allele CA025972.
Genomic context (GRCh38, chr13:32,379,894, plus strand): 5'-CTTCAAAATCTAAAAGTAAATCTGAAAGAGCTAACATACAGTTAGCAGCGACAAAAAAAA[C>CA]TCAGTATCAACAACTACCGGTACAAACCTTTCATTGTAATTTTTCAGTTTTGATAAGTGC-3'